The following is an entry in ClinVar:

NM_002075.4(GNB3):c.838C>T (p.Leu280Phe)

Genes: CDCA3 (cell division cycle associated 3; minus strand), GNB3 (G protein subunit beta 3; plus strand). Cytogenetic location: 12p13.31.
Variant type: single nucleotide variant.
Coding change: c.838C>T on transcript NM_002075.4 (MANE Select); coding-DNA position 838, C replaced by T.
Protein change: p.Leu280Phe; replaces leucine 280 with phenylalanine.
Molecular consequence: missense variant. On other transcripts: 3 prime UTR variant (1).
Genome position (GRCh38, 1-based): chr12:6,845,724, C>T. VCF-style: chr12-6845724-C-T. GRCh37 (hg19) VCF-style: chr12-6954888-C-T.
Other names: c.835C>T, p.Leu279Phe (NM_001297571.2); c.*1064G>A (NM_001297603.3); short protein forms L279F, L280F.
Identifiers: ClinVar variation 1897904 (VCV001897904.5), dbSNP rs28395776, ClinGen allele CA6417679.
Genomic context (GRCh38, chr12:6,845,724, plus strand): 5'-GAGCTGATCTGCTTCTCCCACGAGAGCATCATCTGCGGCATCACGTCCGTGGCCTTCTCC[C>T]TCAGTGGCCGCCTACTATTCGCTGGCTACGACGACTTCAACTGCAATGTCTGGGACTCCA-3'
Protein context (NP_002066.1, residues 270-290): ICGITSVAFS[Leu280Phe]SGRLLFAGYD

ClinVar aggregate classification (germline): Uncertain significance. Review status: criteria provided, multiple submitters, no conflicts (2 of 4 stars). 2 submissions from 2 submitters: Uncertain significance (2). Last evaluated 2025-05-19.

Conditions:
Inborn genetic diseases. Identifiers: MedGen C0950123, MeSH D030342.

Allele frequency attached by ClinVar (database versions not stated): gnomAD exomes below 0.00001; ExAC 0.00001.

Submissions (2):

Ambry Genetics
Classification: Uncertain significance for Inborn genetic diseases. Last evaluated: 2025-05-19. Review status: criteria provided, single submitter. Criteria: Ambry Variant Classification Scheme 2023. Collection method: clinical testing. Allele origin: germline.

Labcorp Genetics (formerly Invitae), Labcorp
Classification: Uncertain significance. Last evaluated: 2022-03-14. Review status: criteria provided, single submitter. Criteria: Invitae Variant Classification Sherloc (09022015). Collection method: clinical testing. Allele origin: germline.
Comment: In summary, the available evidence is currently insufficient to determine the role of this variant in disease. Therefore, it has been classified as a Variant of Uncertain Significance. Algorithms developed to predict the effect of missense changes on protein structure and function (SIFT, PolyPhen-2, Align-GVGD) all suggest that this variant is likely to be tolerated. This variant has not been reported in the literature in individuals affected with GNB3-related conditions. This variant is present in population databases (rs28395776, gnomAD 0.006%). This sequence change replaces leucine, which is neutral and non-polar, with phenylalanine, which is neutral and non-polar, at codon 280 of the GNB3 protein (p.Leu280Phe).